The following is an entry in ClinVar:

NM_001457.4(FLNB):c.5214C>A (p.Asp1738Glu)

Gene: FLNB (filamin B; plus strand). Cytogenetic location: 3p14.3.
Variant type: single nucleotide variant.
Coding change: c.5214C>A on transcript NM_001457.4 (MANE Select); coding-DNA position 5214, C replaced by A.
Protein change: p.Asp1738Glu; replaces aspartic acid 1738 with glutamic acid.
Molecular consequence: missense variant.
Genome position (GRCh38, 1-based): chr3:58,142,682, C>A. VCF-style: chr3-58142682-C-A. GRCh37 (hg19) VCF-style: chr3-58128409-C-A.
Other names: c.5307C>A, p.Asp1769Glu (NM_001164317.2); c.5181C>A, p.Asp1727Glu (NM_001164318.2); c.5142C>A, p.Asp1714Glu (NM_001164319.2); short protein forms D1714E, D1727E, D1738E, D1769E.
Identifiers: ClinVar variation 3695644 (VCV003695644.2).

ClinVar aggregate classification (germline): Uncertain significance (1 of 4 stars; one submission).

gnomAD v4.1: 4 of 1,614,206 alleles (0.00025%); highest among the groups gnomAD compares: Admixed American, 0.0067%; no homozygotes.

Submission:

Labcorp Genetics (formerly Invitae), Labcorp
Classification: Uncertain significance. Last evaluated: 2025-01-06. Review status: criteria provided, single submitter. Criteria: Invitae Variant Classification Sherloc (09022015). Collection method: clinical testing. Allele origin: germline.
Comment: This sequence change replaces aspartic acid, which is acidic and polar, with glutamic acid, which is acidic and polar, at codon 1738 of the FLNB protein (p.Asp1738Glu). This variant is present in population databases (rs752921490, gnomAD 0.006%). This variant has not been reported in the literature in individuals affected with FLNB-related conditions. Invitae Evidence Modeling of protein sequence and biophysical properties (such as structural, functional, and spatial information, amino acid conservation, physicochemical variation, residue mobility, and thermodynamic stability) indicates that this missense variant is not expected to disrupt FLNB protein function with a negative predictive value of 95%. In summary, the available evidence is currently insufficient to determine the role of this variant in disease. Therefore, it has been classified as a Variant of Uncertain Significance.